The following is an entry in ClinVar:

ClinVar aggregate classification (germline): Benign/Likely benign. Review status: criteria provided, multiple submitters, no conflicts (2 of 4 stars). 3 submissions from 3 submitters: Benign (2); Likely benign (1). Last evaluated 2026-02-04.

Allele frequency attached by ClinVar (database versions not stated): gnomAD exomes 0.00046 and 0.00076; ExAC 0.00094; TOPMed 0.00330; gnomAD 0.00338; 1000 Genomes Project 0.00359; ESP Exome Variant Server 0.00372; 1000 Genomes Project 30x 0.00422.
gnomAD v4.1: 1,203 of 1,603,778 alleles (0.075%); highest among the groups gnomAD compares: African/African-American, 1.2%; 2 homozygotes.

Submissions (3):

Labcorp Genetics (formerly Invitae), Labcorp
Classification: Benign. Last evaluated: 2026-02-04. Review status: criteria provided, single submitter. Criteria: Invitae Variant Classification Sherloc (09022015). Collection method: clinical testing. Allele origin: germline.

Blueprint Genetics
Classification: Likely benign. Last evaluated: 2024-10-03. Review status: criteria provided, single submitter. Criteria: ACMG Guidelines, 2015. Collection method: clinical testing. Allele origin: germline.

Laboratory for Molecular Medicine, Mass General Brigham Personalized Medicine
Classification: Benign. Last evaluated: 2012-05-07. Review status: criteria provided, single submitter. Criteria: LMM Criteria. Collection method: clinical testing. Allele origin: germline. Observed: 4 variant alleles.
Comment: 3220+15C>T in Intron 27 of CDH23: This variant is not expected to have clinical significance because it is not located within the conserved splice consensus seq uence and has been identified in 1.1% (39/3540) of African American chromosomes from a broad population by the NHLBI Exome Sequencing Project (dbSNP rs79267977).

NM_022124.6(CDH23):c.3220+15C>T

Gene: CDH23 (cadherin related 23; plus strand). Cytogenetic location: 10q22.1.
Variant type: single nucleotide variant.
Coding change: c.3220+15C>T on transcript NM_022124.6 (MANE Select); 15 bases into the intron after coding-DNA position 3220, C replaced by T.
Molecular consequence: intron variant.
Genome position (GRCh38, 1-based): chr10:71,709,226, C>T. VCF-style: chr10-71709226-C-T. GRCh37 (hg19) VCF-style: chr10-73468983-C-T.
Other names: c.3220+15C>T (NM_001171930.2).
Identifiers: ClinVar variation 162904 (VCV000162904.14), dbSNP rs79267977, ClinGen allele CA175481.
Genomic context (GRCh38, chr10:71,709,226, plus strand): 5'-GACCGGGAGACCACAGCCGCCTACATGCTCATCCTGGAGGCCATCGGTATGCACCAGTCC[C>T]GCACCCACCAACACAGTGATCTGGGCAGAGTTCACACAGGGTGCCTCCCAGGAGCTGGCC-3'